The following is an entry in ClinVar:

ClinVar aggregate classification (germline): Uncertain significance. Review status: criteria provided, multiple submitters, no conflicts (2 of 4 stars). 2 submissions from 2 submitters: Uncertain significance (2). Last evaluated 2024-04-08.

Conditions:
Tumor predisposition syndrome 3 (TPDS3). Also called: LONG TELOMERE SYNDROME, POT1-RELATED; POT1 Tumor Predisposition; Melanoma, cutaneous malignant, susceptibility to, 10; Glioma susceptibility 9. Identifiers: Orphanet 618, MedGen C4014476, MONDO:0014368, OMIM 615848.
Hereditary cancer-predisposing syndrome. Also called: Tumor predisposition; Hereditary neoplastic syndrome; Hereditary Cancer Syndrome; Neoplastic Syndromes, Hereditary. Identifiers: Orphanet 140162, MedGen C0027672, MeSH D009386, MONDO:0015356.

Allele frequency attached by ClinVar (database versions not stated): ExAC 0.00001.
gnomAD v4.1: 3 of 1,614,110 alleles (0.00019%); highest among the groups gnomAD compares: Non-Finnish European, 0.00025%; no homozygotes.

Submissions (2):

Ambry Genetics
Classification: Uncertain significance for Hereditary cancer-predisposing syndrome. Last evaluated: 2024-04-08. Review status: criteria provided, single submitter. Criteria: Ambry Variant Classification Scheme 2023. Collection method: clinical testing. Allele origin: germline.
Comment: The p.R477S variant (also known as c.1431A>T), located in coding exon 11 of the POT1 gene, results from an A to T substitution at nucleotide position 1431. The arginine at codon 477 is replaced by serine, an amino acid with dissimilar properties. This amino acid position is conserved. In addition, this alteration is predicted to be tolerated by in silico analysis. Based on the available evidence, the clinical significance of this variant remains unclear.

Labcorp Genetics (formerly Invitae), Labcorp
Classification: Uncertain significance for Tumor predisposition syndrome 3. Last evaluated: 2023-05-08. Review status: criteria provided, single submitter. Criteria: Invitae Variant Classification Sherloc (09022015). Collection method: clinical testing. Allele origin: germline.
Comment: In summary, the available evidence is currently insufficient to determine the role of this variant in disease. Therefore, it has been classified as a Variant of Uncertain Significance. Advanced modeling of protein sequence and biophysical properties (such as structural, functional, and spatial information, amino acid conservation, physicochemical variation, residue mobility, and thermodynamic stability) performed at Invitae indicates that this missense variant is not expected to disrupt POT1 protein function. This variant has not been reported in the literature in individuals affected with POT1-related conditions. This variant is present in population databases (rs751455733, gnomAD 0.0009%). This sequence change replaces arginine, which is basic and polar, with serine, which is neutral and polar, at codon 477 of the POT1 protein (p.Arg477Ser).

NM_015450.3(POT1):c.1431A>T (p.Arg477Ser)

Gene: POT1 (protection of telomeres 1; minus strand). Cytogenetic location: 7q31.33.
Variant type: single nucleotide variant.
Coding change: c.1431A>T on transcript NM_015450.3 (MANE Select); coding-DNA position 1431, A replaced by T.
Protein change: p.Arg477Ser; replaces arginine 477 with serine.
Molecular consequence: missense variant. On other transcripts: non-coding transcript variant (3).
Genome position (GRCh38, 1-based): chr7:124,835,353, T>A on the plus strand (A>T on the coding strand, the complement: POT1 is on the minus strand). VCF-style: chr7-124835353-T-A. GRCh37 (hg19) VCF-style: chr7-124475407-T-A.
Other names: c.1038A>T, p.Arg346Ser (NM_001042594.2); c.1431A>T (NM_015450.2); short protein forms R346S, R477S.
Identifiers: ClinVar variation 2836559 (VCV002836559.4), dbSNP rs751455733, ClinGen allele CA4465121.